The following is an entry in ClinVar:

ClinVar aggregate classification (germline): Uncertain significance (1 of 4 stars; one submission).

Conditions:
Fanconi anemia (FA). Also called: Fanconi's anemia. Identifiers: Orphanet 84, MedGen C0015625, MeSH D005199, MONDO:0019391.

Submission:

Labcorp Genetics (formerly Invitae), Labcorp
Classification: Uncertain significance for Fanconi anemia. Last evaluated: 2019-07-25. Review status: criteria provided, single submitter. Criteria: Invitae Variant Classification Sherloc (09022015). Collection method: clinical testing. Allele origin: germline.
Comment: This sequence change replaces glutamine with histidine at codon 556 of the FANCG protein (p.Gln556His). The glutamine residue is moderately conserved and there is a small physicochemical difference between glutamine and histidine. This variant is not present in population databases (ExAC no frequency). This variant has not been reported in the literature in individuals with FANCG-related conditions. Algorithms developed to predict the effect of missense changes on protein structure and function output the following: SIFT: "Tolerated"; PolyPhen-2: "Benign"; Align-GVGD: "Class C0". The histidine amino acid residue is found in multiple mammalian species, suggesting that this missense change does not adversely affect protein function. These predictions have not been confirmed by published functional studies and their clinical significance is uncertain. In summary, the available evidence is currently insufficient to determine the role of this variant in disease. Therefore, it has been classified as a Variant of Uncertain Significance.

NM_004629.2(FANCG):c.1668G>T (p.Gln556His)

Gene: FANCG (FA complementation group G; minus strand). Cytogenetic location: 9p13.3.
Variant type: single nucleotide variant.
Coding change: c.1668G>T on transcript NM_004629.2 (MANE Select); coding-DNA position 1668, G replaced by T.
Protein change: p.Gln556His; replaces glutamine 556 with histidine.
Molecular consequence: missense variant.
Genome position (GRCh38, 1-based): chr9:35,074,463, C>A on the plus strand (G>T on the coding strand, the complement: FANCG is on the minus strand). VCF-style: chr9-35074463-C-A. GRCh37 (hg19) VCF-style: chr9-35074460-C-A.
Other names: short protein forms Q556H.
Identifiers: ClinVar variation 950382 (VCV000950382.9), dbSNP rs1829042320, ClinGen allele CA373301067.